The following is an entry in ClinVar:

NM_000392.5(ABCC2):c.3403_3406del (p.Val1135fs)

Genes: ABCC2 (ATP binding cassette subfamily C member 2; plus strand), LOC126861013 (CDK7 strongly-dependent group 2 enhancer GRCh37_chr10:101593724-101594923; plus strand). Cytogenetic location: 10q24.2.
Variant type: Deletion.
Coding change: c.3403_3406del on transcript NM_000392.5 (MANE Select); coding-DNA positions 3403 to 3406, 4 bases deleted (GTAT; older notation c.3403_3406delGTAT).
Protein change: p.Val1135fs; shifts the reading frame from valine 1135.
Molecular consequence: frameshift variant.
Genome position (GRCh38, 1-based): chr10:99,834,524-99,834,527, GTAT deleted; deleting any 4 consecutive bases within chr10:99,834,521-99,834,527 gives the same sequence; the c. name uses the placement nearest the transcript's 3' end. VCF-style (leftmost placement, unchanged base first): chr10-99834520-TTATG-T. GRCh37 (hg19) VCF-style: chr10-101594277-TTATG-T.
Other names: short protein forms V1135fs.
Identifiers: ClinVar variation 4994750 (VCV004994750.1).
Genomic context (GRCh38, chr10:99,834,520, plus strand): 5'-TGTCATGATCTGCATGGCCACTCCTGTCTTCACCATCATCGTCATTCCTCTTGGCATTAT[TTATG>T]TATCTGTTCAGGTAGGTTTGGAAATGGCTAAGTCATCCTTCCTTCCTCTCTATCTATAAA-3'

ClinVar aggregate classification (germline): Likely pathogenic (1 of 4 stars; one submission).

Conditions:
ABCC2-related disorder. Also called: ABCC2-related condition.

Submission:

PreventionGenetics, part of Exact Sciences
Classification: Likely pathogenic for ABCC2-related condition. Last evaluated: 2026-05-11. Review status: criteria provided, single submitter. Criteria: ACMG Guidelines, 2015. Collection method: clinical testing. Allele origin: germline.
Comment: The ABCC2 c.3403_3406delGTAT variant is predicted to result in a frameshift and premature protein termination (p.Val1135Leufs*13). To our knowledge, this variant has not been reported in the literature. This variant is reported in 0.0033% of alleles in individuals of South Asian descent in gnomAD. Frameshift variants in ABCC2 are expected to be pathogenic. This variant is interpreted as likely pathogenic.